The following is an entry in ClinVar:

ClinVar aggregate classification (germline): Conflicting classifications of pathogenicity. Review status: criteria provided, conflicting classifications (1 of 4 stars). 3 submissions from 3 submitters: Likely pathogenic (2); Uncertain significance (1). Last evaluated 2025-04-21.

Conditions:
Deficiency of galactokinase. Also called: GALACTOSEMIA II; Galactokinase deficiency with cataracts. Identifiers: Orphanet 352, Orphanet 79237, MedGen C0268155, MONDO:0009255, OMIM 230200.

Allele frequency attached by ClinVar (database versions not stated): gnomAD exomes below 0.00001.
gnomAD v4.1: 2 of 1,612,516 alleles (0.00012%); highest among the groups gnomAD compares: Non-Finnish European, 0.00017%; no homozygotes.

Submissions (3):

Women's Health and Genetics/Laboratory Corporation of America, LabCorp
Classification: Uncertain significance. Last evaluated: 2025-04-21. Review status: criteria provided, single submitter. Criteria: LabCorp Variant Classification Summary - May 2015. Collection method: clinical testing. Allele origin: germline.
Comment: Variant summary: GALK1 c.1150G>C (p.Ala384Pro) results in a non-conservative amino acid change in the encoded protein sequence. Three of five in-silico tools predict a benign effect of the variant on protein function. The variant allele was found at a frequency of 4.1e-06 in 246654 control chromosomes (gnomAD). c.1150G>C has been observed in individuals affected with Deficiency Of Galactokinase (Hunter_2001, Singh_2012). These data indicate that the variant may be associated with disease. At least one publication reports experimental evidence evaluating an impact on protein function, however, does not allow convincing conclusions about the variant effect (Timson_2003). The following publications have been ascertained in the context of this evaluation (PMID: 11139256, 12694189, 22632133). ClinVar contains an entry for this variant (Variation ID: 2675795). Based on the evidence outlined above, the variant was classified as VUS-possibly pathogenic.

Natera, Inc.
Classification: Likely pathogenic for Deficiency of galactokinase. Last evaluated: 2024-10-30. Review status: criteria provided, single submitter. Criteria: Natera Variant Classification Schema (03/2026). Collection method: clinical testing. Allele origin: germline.
Comment: The c.1150G>C variant in GALK1 is a missense variant predicted to cause substitution of alanine to proline at amino acid 384. This variant is rare in the general population with a frequency below the threshold expected for the associated phenotype(s). This variant has been observed in one or more individuals affected with the associated recessive disease, as either homozygous or compound heterozygous with a second variant (PMID: 11139256, 22632133). Functional studies show that this variant may disrupt protein function (PMID: 22632133). Given the available evidence, this variant is classified as Likely Pathogenic.

Baylor Genetics
Classification: Likely pathogenic for Deficiency of galactokinase. Last evaluated: 2023-05-10. Review status: criteria provided, single submitter. Criteria: ACMG Guidelines, 2015. Collection method: clinical testing. Allele origin: unknown.

Literature cited by the submitters: PubMed 12694189 (cited by Women's Health and Genetics/Laboratory Corporation of America, LabCorp); PubMed 11139256 (cited by Women's Health and Genetics/Laboratory Corporation of America, LabCorp and Natera, Inc.); PubMed 22632133 (cited by Women's Health and Genetics/Laboratory Corporation of America, LabCorp and Natera, Inc.).

NM_000154.2(GALK1):c.1150G>C (p.Ala384Pro)

Gene: GALK1 (galactokinase 1; minus strand). Cytogenetic location: 17q25.1.
Variant type: single nucleotide variant.
Coding change: c.1150G>C on transcript NM_000154.2 (MANE Select); coding-DNA position 1150, G replaced by C.
Protein change: p.Ala384Pro; replaces alanine 384 with proline.
Molecular consequence: missense variant.
Genome position (GRCh38, 1-based): chr17:75,758,085, C>G on the plus strand (G>C on the coding strand, the complement: GALK1 is on the minus strand). VCF-style: chr17-75758085-C-G. GRCh37 (hg19) VCF-style: chr17-73754166-C-G.
Other names: c.1150G>C, p.Ala384Pro (NM_001381985.1); c.1150G>C (NM_000154.1); short protein forms A384P.
Identifiers: ClinVar variation 2675795 (VCV002675795.4), dbSNP rs1184406839, ClinGen allele CA401097714.
Genomic context (GRCh38, chr17:75,758,085, plus strand): 5'-CACCCTCACCGTGTGCTGTCCTGGGGGTGCCTCACAAGCACAGCACCTTGGCTCCATCGG[C>G]TGCTTGAGAGAGGTAGAAGGTGGCAGTCCCGCCGTAGTGCTCCTGTAAGAGGCGGGCTGG-3'
Protein context (NP_000145.1, residues 374-392): GTATFYLSQA[Ala384Pro]DGAKVLCL